The following is an entry in ClinVar:

NM_032776.3(JMJD1C):c.1798A>C (p.Ile600Leu)

Gene: JMJD1C (jumonji domain containing 1C; minus strand). Cytogenetic location: 10q21.3.
Variant type: single nucleotide variant.
Coding change: c.1798A>C on transcript NM_032776.3 (MANE Select); coding-DNA position 1798, A replaced by C.
Protein change: p.Ile600Leu; replaces isoleucine 600 with leucine.
Molecular consequence: missense variant. On other transcripts: non-coding transcript variant (1).
Genome position (GRCh38, 1-based): chr10:63,214,369, T>G on the plus strand (A>C on the coding strand, the complement: JMJD1C is on the minus strand). VCF-style: chr10-63214369-T-G. GRCh37 (hg19) VCF-style: chr10-64974129-T-G.
Other names: c.1252A>C, p.Ile418Leu (NM_001282948.2, NM_001318154.2); c.934A>C, p.Ile312Leu (NM_001318153.2); c.1684A>C, p.Ile562Leu (NM_001322252.2); c.1141A>C, p.Ile381Leu (NM_001322254.2, NM_001322258.2); short protein forms I562L, I312L, I418L, I381L, I600L.
Identifiers: ClinVar variation 1387490 (VCV001387490.9), dbSNP rs374685297, ClinGen allele CA5518744.

ClinVar aggregate classification (germline): Uncertain significance (1 of 4 stars; one submission).

Conditions:
Early Myoclonic Encephalopathy. Identifiers: MedGen C0270855.

gnomAD v4.1: 12 of 1,613,922 alleles (0.00074%); highest among the groups gnomAD compares: Admixed American, 0.018%; no homozygotes.

Submission:

Labcorp Genetics (formerly Invitae), Labcorp
Classification: Uncertain significance for Early Myoclonic Encephalopathy. Last evaluated: 2023-08-17. Review status: criteria provided, single submitter. Criteria: Invitae Variant Classification Sherloc (09022015). Collection method: clinical testing. Allele origin: germline.
Comment: This variant has not been reported in the literature in individuals affected with JMJD1C-related conditions. This variant is present in population databases (rs374685297, gnomAD 0.02%). This sequence change replaces isoleucine, which is neutral and non-polar, with leucine, which is neutral and non-polar, at codon 600 of the JMJD1C protein (p.Ile600Leu). ClinVar contains an entry for this variant (Variation ID: 1387490). In summary, the available evidence is currently insufficient to determine the role of this variant in disease. Therefore, it has been classified as a Variant of Uncertain Significance. Advanced modeling of protein sequence and biophysical properties (such as structural, functional, and spatial information, amino acid conservation, physicochemical variation, residue mobility, and thermodynamic stability) performed at Invitae indicates that this missense variant is not expected to disrupt JMJD1C protein function.